The following is an entry in ClinVar:

ClinVar aggregate classification (germline): Pathogenic. Review status: criteria provided, multiple submitters, no conflicts (2 of 4 stars). 4 submissions from 4 submitters: Pathogenic (3). 1 of the submissions does not count toward it. Last evaluated 2023-11-12.

Conditions:
Intellectual developmental disorder with language impairment and early-onset DOPA-responsive dystonia-parkinsonism (IDLDP). Identifiers: Orphanet 660017, MedGen C5677001, MONDO:0859257, OMIM 619911.
Inborn genetic diseases. Identifiers: MedGen C0950123, MeSH D030342.
Neurodevelopmental disorder. Identifiers: MedGen C1535926, MeSH D065886, MONDO:0700092.

Submissions (4):

GeneDx
Classification: Pathogenic. Last evaluated: 2023-11-12. Review status: criteria provided, single submitter. Criteria: GeneDx Variant Classification Process June 2021. Collection method: clinical testing. Allele origin: germline. Affected: yes.
Comment: Frameshift variant predicted to result in protein truncation or nonsense mediated decay in a gene for which loss-of-function is a known mechanism of disease; This variant is associated with the following publications: (PMID: 32366965)

Institute of Human Genetics, University of Leipzig Medical Center
Classification: Pathogenic for Neurodevelopmental disorder. Last evaluated: 2021-11-23. Review status: criteria provided, single submitter. Criteria: ACMG Guidelines, 2015. Collection method: clinical testing. Allele origin: de novo. Affected: yes.
Comment: This variant was identified as de novo (maternity and paternity confirmed)._x000D_ Criteria applied: PVS1, PS2, PS4_SUP, PM2_SUP

Ambry Genetics
Classification: Pathogenic for Inborn genetic diseases. Last evaluated: 2021-01-15. Review status: criteria provided, single submitter. Criteria: Ambry Variant Classification Scheme 2023. Collection method: clinical testing. Allele origin: germline.
Comment: The c.325dupC (p.Q109Pfs*3) alteration, located in exon 3 (coding exon 1) of the NR4A2 gene, consists of a duplication of C at position 325, causing a translational frameshift with a predicted alternate stop codon after 3 amino acids. This alteration is expected to result in loss of function by premature protein truncation or nonsense-mediated mRNA decay. Based on data from the Genome Aggregation Database (gnomAD) database, the NR4A2 c.325dupC alteration was observed in 0.0004% (1/250,966) of total alleles studied. Based on the available evidence, this alteration is classified as pathogenic.

OMIM
Classification: Pathogenic for INTELLECTUAL DEVELOPMENTAL DISORDER WITH LANGUAGE IMPAIRMENT AND EARLY-ONSET DOPA-RESPONSIVE DYSTONIA-PARKINSONISM. Last evaluated: 2022-06-22. Review status: no assertion criteria provided. Collection method: literature only. Allele origin: germline. Not counted in ClinVar's aggregate classification.

Literature cited by the submitters: PubMed 32366965 (cited by OMIM).

NM_006186.4(NR4A2):c.325dup (p.Gln109fs)

Gene: NR4A2 (nuclear receptor subfamily 4 group A member 2; minus strand). Cytogenetic location: 2q24.1.
Variant type: Duplication.
Coding change: c.325dup on transcript NM_006186.4 (MANE Select); coding-DNA position 325, one base duplicated (C; older notation c.325dupC).
Protein change: p.Gln109fs; shifts the reading frame from glutamine 109.
Molecular consequence: frameshift variant.
Genome position (GRCh38, 1-based): chr2:156,329,862, G duplicated on the plus strand (C on the coding strand, the reverse complement: NR4A2 is on the minus strand); the first of 7 consecutive G bases (chr2:156,329,862-156,329,868); duplicating any one gives the same sequence. VCF-style (leftmost placement, unchanged base first): chr2-156329861-T-TG. GRCh37 (hg19) VCF-style: chr2-157186373-T-TG.
Other names: c.325dup (NM_006186.3); c.136dup, p.Gln46fs (NM_173173.3); short protein forms Q109fs, Q46fs.
Identifiers: ClinVar variation 985332 (VCV000985332.10), dbSNP rs774629025, ClinGen allele CA1916469.